The following is an entry in ClinVar:

NM_020406.4(CD177):c.954T>C (p.Pro318=)

Gene: CD177 (CD177 molecule; plus strand). Cytogenetic location: 19q13.31.
Variant type: single nucleotide variant.
Coding change: c.954T>C on transcript NM_020406.4 (MANE Select); coding-DNA position 954, T replaced by C.
Protein change: p.Pro318=; no amino-acid change (proline 318 retained).
Molecular consequence: synonymous variant.
Genome position (GRCh38, 1-based): chr19:43,361,452, T>C. VCF-style: chr19-43361452-T-C. GRCh37 (hg19) VCF-style: chr19-43865604-T-C.
Identifiers: ClinVar variation 2650062 (VCV002650062.24), dbSNP rs2513513282, ClinGen allele CA2585506510.

ClinVar aggregate classification (germline): Likely benign (1 of 4 stars; one submission).

Submission:

CeGaT Center for Human Genetics Tuebingen
Classification: Likely benign. Last evaluated: 2023-02-01. Review status: criteria provided, single submitter. Criteria: CeGaT Center For Human Genetics Tuebingen Variant Classification Criteria Version 2. Collection method: clinical testing. Allele origin: germline. Affected: yes. Observed: 1 variant allele.
Comment: CD177: PM2:Supporting, BP4, BP7